The following is an entry in ClinVar:

NM_001252024.2(TRPM1):c.3086A>G (p.Tyr1029Cys)

Genes: TRPM1-AS1 (TRPM1 antisense RNA 1; plus strand), TRPM1 (transient receptor potential cation channel subfamily M member 1; minus strand). Cytogenetic location: 15q13.3.
Variant type: single nucleotide variant.
Coding change: c.3086A>G on transcript NM_001252024.2 (MANE Select); coding-DNA position 3086, A replaced by G.
Protein change: p.Tyr1029Cys; replaces tyrosine 1029 with cysteine.
Molecular consequence: missense variant.
Genome position (GRCh38, 1-based): chr15:31,031,024, T>C on the plus strand (A>G on the coding strand, the complement: TRPM1 is on the minus strand). VCF-style: chr15-31031024-T-C. GRCh37 (hg19) VCF-style: chr15-31323227-T-C.
Other names: c.3137A>G, p.Tyr1046Cys (NM_001252020.2); c.3020A>G, p.Tyr1007Cys (NM_002420.6); short protein forms Y1046C, Y1007C, Y1029C.
Identifiers: ClinVar variation 1388654 (VCV001388654.6), dbSNP rs2140909026, ClinGen allele CA391544494.

ClinVar aggregate classification (germline): Uncertain significance (1 of 4 stars; one submission).

Submission:

Labcorp Genetics (formerly Invitae), Labcorp
Classification: Uncertain significance. Last evaluated: 2024-01-15. Review status: criteria provided, single submitter. Criteria: Invitae Variant Classification Sherloc (09022015). Collection method: clinical testing. Allele origin: germline.
Comment: This sequence change replaces tyrosine, which is neutral and polar, with cysteine, which is neutral and slightly polar, at codon 1007 of the TRPM1 protein (p.Tyr1007Cys). This variant is not present in population databases (gnomAD no frequency). This variant has not been reported in the literature in individuals affected with TRPM1-related conditions. ClinVar contains an entry for this variant (Variation ID: 1388654). Advanced modeling of protein sequence and biophysical properties (such as structural, functional, and spatial information, amino acid conservation, physicochemical variation, residue mobility, and thermodynamic stability) performed at Invitae indicates that this missense variant is expected to disrupt TRPM1 protein function with a positive predictive value of 95%. In summary, the available evidence is currently insufficient to determine the role of this variant in disease. Therefore, it has been classified as a Variant of Uncertain Significance.